The following is an entry in ClinVar:

NM_001329943.3(KIAA0586):c.4306G>A (p.Ala1436Thr)

Gene: KIAA0586 (KIAA0586; plus strand). Cytogenetic location: 14q23.1.
Variant type: single nucleotide variant.
Coding change: c.4306G>A on transcript NM_001329943.3 (MANE Select); coding-DNA position 4306, G replaced by A.
Protein change: p.Ala1436Thr; replaces alanine 1436 with threonine.
Molecular consequence: missense variant.
Genome position (GRCh38, 1-based): chr14:58,508,692, G>A. VCF-style: chr14-58508692-G-A. GRCh37 (hg19) VCF-style: chr14-58975410-G-A.
Other names: c.4465G>A, p.Ala1489Thr (NM_001244189.2); c.4261G>A, p.Ala1421Thr (NM_001244190.2); c.4051G>A, p.Ala1351Thr (NM_001244191.2, NM_001329945.2, NM_001364700.1 and 1 more transcripts); c.4174G>A, p.Ala1392Thr (NM_001244192.2, NM_001329947.2); c.3886G>A, p.Ala1296Thr (NM_001244193.2); c.4306G>A, p.Ala1436Thr (NM_001329944.2, NM_001329946.2); c.4078G>A, p.Ala1360Thr (NM_014749.5); short protein forms A1296T, A1351T, A1436T, A1360T, A1421T, A1392T, A1489T.
Identifiers: ClinVar variation 2141362 (VCV002141362.1), dbSNP rs202235093, ClinGen allele CA7206361.

ClinVar aggregate classification (germline): Uncertain significance (1 of 4 stars; one submission).

Conditions:
Short-rib thoracic dysplasia 14 with polydactyly (SRTD14). Identifiers: Orphanet 397715, MedGen C4225286, MONDO:0014688, OMIM 616546.
Joubert syndrome 23 (JBTS23). Identifiers: Orphanet 475, MedGen C4084822, MONDO:0014664, OMIM 616490.

Allele frequency attached by ClinVar (database versions not stated): ExAC 0.00002; gnomAD 0.00002; TOPMed 0.00003.
gnomAD v4.1: 22 of 1,586,830 alleles (0.0014%); highest among the groups gnomAD compares: East Asian, 0.0091%; no homozygotes.

Submission:

Labcorp Genetics (formerly Invitae), Labcorp
Classification: Uncertain significance for Joubert syndrome 23; Short-rib thoracic dysplasia 14 with polydactyly. Last evaluated: 2022-04-09. Review status: criteria provided, single submitter. Criteria: Invitae Variant Classification Sherloc (09022015). Collection method: clinical testing. Allele origin: germline.
Comment: This sequence change replaces alanine, which is neutral and non-polar, with threonine, which is neutral and polar, at codon 1489 of the KIAA0586 protein (p.Ala1489Thr). The frequency data for this variant in the population databases is considered unreliable, as metrics indicate poor data quality at this position in the gnomAD database. This variant has not been reported in the literature in individuals affected with KIAA0586-related conditions. Algorithms developed to predict the effect of missense changes on protein structure and function output the following: SIFT: "Tolerated"; PolyPhen-2: "Benign"; Align-GVGD: "Class C0". The threonine amino acid residue is found in multiple mammalian species, which suggests that this missense change does not adversely affect protein function. In summary, the available evidence is currently insufficient to determine the role of this variant in disease. Therefore, it has been classified as a Variant of Uncertain Significance.